The following is an entry in ClinVar:

ClinVar aggregate classification (germline): Likely benign (1 of 4 stars; one submission).

Conditions:
MAP2K2-related disorder. Also called: MAP2K2-related condition.

Submission:

PreventionGenetics, part of Exact Sciences
Classification: Likely benign for MAP2K2-related condition. Last evaluated: 2025-12-13. Review status: criteria provided, single submitter. Criteria: ACMG Guidelines, 2015. Collection method: clinical testing. Allele origin: germline.
Comment: This variant is classified as likely benign based on ACMG/AMP sequence variant interpretation guidelines (Richards et al. 2015 PMID: 25741868, with internal and published modifications).

NM_030662.4(MAP2K2):c.-3C>A

Genes: MAP2K2 (mitogen-activated protein kinase kinase 2; minus strand), LOC130063193 (ATAC-STARR-seq lymphoblastoid silent region 9881; plus strand). Cytogenetic location: 19p13.3.
Variant type: single nucleotide variant.
Coding change: c.-3C>A on transcript NM_030662.4 (MANE Select); 3 bases upstream of the start codon, C replaced by A.
Molecular consequence: 5 prime UTR variant.
Genome position (GRCh38, 1-based): chr19:4,123,878, G>T on the plus strand (C>A on the coding strand, the complement: MAP2K2 is on the minus strand). VCF-style: chr19-4123878-G-T. GRCh37 (hg19) VCF-style: chr19-4123875-G-T.
Other names: c.-3C>A (NM_001440688.1).
Identifiers: ClinVar variation 4984895 (VCV004984895.1).